The following is an entry in ClinVar:

ClinVar aggregate classification (germline): Uncertain significance (1 of 4 stars; one submission).

Submission:

Labcorp Genetics (formerly Invitae), Labcorp
Classification: Uncertain significance. Last evaluated: 2025-09-18. Review status: criteria provided, single submitter. Criteria: Invitae Variant Classification Sherloc (09022015). Collection method: clinical testing. Allele origin: germline.
Comment: This variant, c.595_600del, results in the deletion of 2 amino acid(s) of the STS protein (p.Thr199_Leu200del), but otherwise preserves the integrity of the reading frame. This variant is not present in population databases (gnomAD no frequency). This variant has not been reported in the literature in individuals affected with STS-related conditions. Experimental studies and prediction algorithms are not available or were not evaluated, and the functional significance of this variant is currently unknown. In summary, the available evidence is currently insufficient to determine the role of this variant in disease. Therefore, it has been classified as a Variant of Uncertain Significance.

NM_001320752.2(STS):c.580_585del (p.Thr194_Leu195del)

Gene: STS (steroid sulfatase; plus strand). Cytogenetic location: Xp22.31.
Variant type: Deletion.
Coding change: c.580_585del on transcript NM_001320752.2 (MANE Select); coding-DNA positions 580 to 585, 6 bases deleted (ACCCTT; older notation c.580_585delACCCTT).
Protein change: p.Thr194_Leu195del.
Molecular consequence: inframe deletion.
Genome position (GRCh38, 1-based): chrX:7,259,546-7,259,551, ACCCTT deleted; deleting any 6 consecutive bases within chrX:7,259,542-7,259,551 gives the same sequence; the c. name uses the placement nearest the transcript's 3' end. VCF-style (leftmost placement, unchanged base first): chrX-7259541-TCCTTAC-T. GRCh37 (hg19) VCF-style: chrX-7177582-TCCTTAC-T.
Other names: c.580_585del, p.Thr194_Leu195del (NM_000351.7, NM_001320753.2, NM_001320754.2); c.616_621del, p.Thr206_Leu207del (NM_001320750.3, NM_001320751.2).
Identifiers: ClinVar variation 4727416 (VCV004727416.1).